The following is an entry in ClinVar:

NM_005422.4(TECTA):c.5537T>G (p.Ile1846Ser)

Genes: TBCEL-TECTA (TBCEL-TECTA readthrough; plus strand), TECTA (tectorin alpha; plus strand). Cytogenetic location: 11q23.3.
Variant type: single nucleotide variant.
Coding change: c.5537T>G on transcript NM_005422.4 (MANE Select); coding-DNA position 5537, T replaced by G.
Protein change: p.Ile1846Ser; replaces isoleucine 1846 with serine.
Molecular consequence: missense variant.
Genome position (GRCh38, 1-based): chr11:121,166,731, T>G. VCF-style: chr11-121166731-T-G. GRCh37 (hg19) VCF-style: chr11-121037440-T-G.
Other names: c.6479T>G, p.Ile2160Ser (NM_001378761.1); short protein forms I1846S, I2160S.
Identifiers: ClinVar variation 3377447 (VCV003377447.1).

ClinVar aggregate classification (germline): Uncertain significance (1 of 4 stars; one submission).

Conditions:
Autosomal recessive nonsyndromic hearing loss 21. Identifiers: Orphanet 90636, MedGen C1863655, MONDO:0011351, OMIM 603629.

Submission:

Victorian Clinical Genetics Services, Murdoch Childrens Research Institute
Classification: Uncertain significance for Autosomal recessive nonsyndromic hearing loss 21. Last evaluated: 2019-08-28. Review status: criteria provided, single submitter. Criteria: ACMG Guidelines, 2015. Collection method: clinical testing. Allele origin: germline. Affected: yes.
Comment: A heterozygous missense variant, NM_005422.2(TECTA):c.5537T>G, has been identified in exon 17 of 23 of the TECTA gene. The variant is predicted to result in a major amino acid change from isoleucine to serine at position 1846 of the protein (NP_005413.2(TECTA):p.Ile1846Ser). The isoleucine residue at this position has very high conservation (100 vertebrates, UCSC), and is located within the zona pellucida functional domain. In silico predictions for this variant are consistently pathogenic (Polyphen, SIFT, CADD, Mutation Taster). The variant is present in the gnomAD database at a frequency of 0.00040% (1 heterozygote). The variant has been previously described as a VUS (Deafnessvariationdatabase). Based on the information available at the time of curation, this variant has been classified as a VARIANT of UNCERTAIN SIGNIFICANCE with POTENTIAL CLINICAL RELEVANCE.